The following is an entry in ClinVar:

ClinVar aggregate classification (germline): Likely benign (1 of 4 stars; one submission).

Allele frequency attached by ClinVar (database versions not stated): gnomAD exomes below 0.00001.
gnomAD v4.1: 1 of 606,584 alleles (0.00016%); highest among the groups gnomAD compares: Non-Finnish European, 0.00029%; no homozygotes.

Submission:

GeneDx
Classification: Likely benign. Last evaluated: 2018-01-31. Review status: criteria provided, single submitter. Criteria: GeneDx Variant Classification (06012015). Collection method: clinical testing. Allele origin: germline. Affected: yes.
Comment: This variant is considered likely benign or benign based on one or more of the following criteria: it is a conservative change, it occurs at a poorly conserved position in the protein, it is predicted to be benign by multiple in silico algorithms, and/or has population frequency not consistent with disease.

NM_001042432.2(CLN3):c.-77+12A>C

Gene: CLN3 (CLN3 lysosomal/endosomal transmembrane protein, battenin; minus strand). Cytogenetic location: 16p12.1.
Variant type: single nucleotide variant.
Coding change: c.-77+12A>C on transcript NM_001042432.2 (MANE Select); 12 bases into the intron after 77 bases upstream of the start codon, A replaced by C.
Molecular consequence: intron variant. On other transcripts: 5 prime UTR variant (4).
Genome position (GRCh38, 1-based): chr16:28,492,008, T>G on the plus strand (A>C on the coding strand, the complement: CLN3 is on the minus strand). VCF-style: chr16-28492008-T-G. GRCh37 (hg19) VCF-style: chr16-28503329-T-G.
Other names: c.-249A>C (NM_000086.2); c.-390A>C (NM_001286105.2); c.-332A>C (NM_001286109.2, NM_001286110.2); c.-77+12A>C (NM_001286104.2).
Identifiers: ClinVar variation 515137 (VCV000515137.1), dbSNP rs1555469548, ClinGen allele CA658798581.